The following is an entry in ClinVar:

ClinVar aggregate classification (germline): Uncertain significance. Review status: criteria provided, multiple submitters, no conflicts (2 of 4 stars). 2 submissions from 2 submitters: Uncertain significance (2). Last evaluated 2025-12-16.

Allele frequency attached by ClinVar (database versions not stated): gnomAD 0.00001; TOPMed 0.00001; gnomAD exomes 0.00003 and 0.00008; ExAC 0.00011.
gnomAD v4.1: 42 of 1,613,888 alleles (0.0026%); highest among the groups gnomAD compares: Admixed American, 0.03%; 1 homozygote.

Submissions (2):

Labcorp Genetics (formerly Invitae), Labcorp
Classification: Uncertain significance. Last evaluated: 2025-12-16. Review status: criteria provided, single submitter. Criteria: Invitae Variant Classification Sherloc (09022015). Collection method: clinical testing. Allele origin: germline.
Comment: This sequence change replaces asparagine, which is neutral and polar, with serine, which is neutral and polar, at codon 245 of the ROM1 protein (p.Asn245Ser). This variant is present in population databases (rs756491858, gnomAD 0.05%). This variant has not been reported in the literature in individuals affected with ROM1-related conditions. ClinVar contains an entry for this variant (Variation ID: 1014595). Invitae Evidence Modeling of protein sequence and biophysical properties (such as structural, functional, and spatial information, amino acid conservation, physicochemical variation, residue mobility, and thermodynamic stability) indicates that this missense variant is not expected to disrupt ROM1 protein function with a negative predictive value of 80%. In summary, the available evidence is currently insufficient to determine the role of this variant in disease. Therefore, it has been classified as a Variant of Uncertain Significance.

Ambry Genetics
Classification: Uncertain significance. Last evaluated: 2025-04-24. Review status: criteria provided, single submitter. Criteria: Ambry Variant Classification Scheme 2023. Collection method: clinical testing. Allele origin: germline.

NM_000327.4(ROM1):c.734A>G (p.Asn245Ser)

Gene: ROM1 (retinal outer segment membrane protein 1; plus strand). Cytogenetic location: 11q12.3.
Variant type: single nucleotide variant.
Coding change: c.734A>G on transcript NM_000327.4 (MANE Select); coding-DNA position 734, A replaced by G.
Protein change: p.Asn245Ser; replaces asparagine 245 with serine.
Molecular consequence: missense variant.
Genome position (GRCh38, 1-based): chr11:62,614,401, A>G. VCF-style: chr11-62614401-A-G. GRCh37 (hg19) VCF-style: chr11-62381873-A-G.
Other names: c.734A>G (NM_000327.3); short protein forms N245S.
Identifiers: ClinVar variation 1014595 (VCV001014595.11), dbSNP rs756491858, ClinGen allele CA6049828.